The following is an entry in ClinVar:

ClinVar aggregate classification (germline): Uncertain significance (1 of 4 stars; one submission).

Conditions:
Neuroblastoma, susceptibility to, 3. Also called: ALK-Related Neuroblastic Tumor Susceptibility. Identifiers: Orphanet 635, MedGen C2751681, MONDO:0013083, OMIM 613014.

Submission:

Labcorp Genetics (formerly Invitae), Labcorp
Classification: Uncertain significance for Neuroblastoma, susceptibility to, 3. Last evaluated: 2025-05-27. Review status: criteria provided, single submitter. Criteria: Invitae Variant Classification Sherloc (09022015). Collection method: clinical testing. Allele origin: germline.
Comment: This sequence change replaces lysine, which is basic and polar, with arginine, which is basic and polar, at codon 1451 of the ALK protein (p.Lys1451Arg). This variant is not present in population databases (gnomAD no frequency). This variant has not been reported in the literature in individuals affected with ALK-related conditions. An algorithm developed to predict the effect of missense changes on protein structure and function outputs the following: PolyPhen-2: "Benign". The arginine amino acid residue is found in multiple mammalian species, which suggests that this missense change does not adversely affect protein function. In summary, the available evidence is currently insufficient to determine the role of this variant in disease. Therefore, it has been classified as a Variant of Uncertain Significance.

NM_004304.5(ALK):c.4352A>G (p.Lys1451Arg)

Gene: ALK (ALK receptor tyrosine kinase; minus strand). Cytogenetic location: 2p23.2.
Variant type: single nucleotide variant.
Coding change: c.4352A>G on transcript NM_004304.5 (MANE Select); coding-DNA position 4352, A replaced by G.
Protein change: p.Lys1451Arg; replaces lysine 1451 with arginine.
Molecular consequence: missense variant.
Genome position (GRCh38, 1-based): chr2:29,193,735, T>C on the plus strand (A>G on the coding strand, the complement: ALK is on the minus strand). VCF-style: chr2-29193735-T-C. GRCh37 (hg19) VCF-style: chr2-29416601-T-C.
Other names: c.1148A>G, p.Lys383Arg (NM_001353765.2); short protein forms K383R, K1451R.
Identifiers: ClinVar variation 4720307 (VCV004720307.1).